The following is an entry in ClinVar:

NM_006267.5(RANBP2):c.452T>C (p.Phe151Ser)

Gene: RANBP2 (RAN binding protein 2; plus strand). Cytogenetic location: 2q13.
Variant type: single nucleotide variant.
Coding change: c.452T>C on transcript NM_006267.5 (MANE Select); coding-DNA position 452, T replaced by C.
Protein change: p.Phe151Ser; replaces phenylalanine 151 with serine.
Molecular consequence: missense variant.
Genome position (GRCh38, 1-based): chr2:108,735,578, T>C. VCF-style: chr2-108735578-T-C. GRCh37 (hg19) VCF-style: chr2-109352034-T-C.
Other names: c.452T>C, p.Phe151Ser (NM_001415871.1, NM_001415873.1); c.449T>C, p.Phe150Ser (NM_001415872.1); short protein forms F150S, F151S.
Identifiers: ClinVar variation 2255594 (VCV002255594.3), dbSNP rs2467333632, ClinGen allele CA348039797.

ClinVar aggregate classification (germline): Uncertain significance. Review status: criteria provided, multiple submitters, no conflicts (2 of 4 stars). 2 submissions from 2 submitters: Uncertain significance (2). Last evaluated 2023-05-10.

Allele frequency attached by ClinVar (database versions not stated): gnomAD exomes below 0.00001.
gnomAD v4.1: 1 of 1,597,618 alleles (0.000063%); highest among the groups gnomAD compares: Non-Finnish European, 0.000085%; no homozygotes.

Submissions (2):

GeneDx
Classification: Uncertain significance. Last evaluated: 2023-05-10. Review status: criteria provided, single submitter. Criteria: GeneDx Variant Classification Process June 2021. Collection method: clinical testing. Allele origin: germline. Affected: yes.
Comment: Not observed at significant frequency in large population cohorts (gnomAD); In silico analysis supports that this missense variant has a deleterious effect on protein structure/function; Has not been previously published as pathogenic or benign to our knowledge

Ambry Genetics
Classification: Uncertain significance. Last evaluated: 2021-10-18. Review status: criteria provided, single submitter. Criteria: Ambry Variant Classification Scheme 2023. Collection method: clinical testing. Allele origin: germline.